The following is an entry in ClinVar:

ClinVar aggregate classification (germline): Benign (1 of 4 stars; one submission).

Allele frequency attached by ClinVar (database versions not stated): 1000 Genomes Project 0.11681; 1000 Genomes Project 30x 0.11446; gnomAD 0.12447 and 0.12456; TOPMed 0.12270.

Submission:

GeneDx
Classification: Benign. Last evaluated: 2018-06-14. Review status: criteria provided, single submitter. Criteria: GeneDx Variant Classification (06012015). Collection method: clinical testing. Allele origin: germline. Affected: yes.
Comment: This variant is considered likely benign or benign based on one or more of the following criteria: it is a conservative change, it occurs at a poorly conserved position in the protein, it is predicted to be benign by multiple in silico algorithms, and/or has population frequency not consistent with disease.

NM_018838.4(NDUFA12):c.-301G>A

Gene: NDUFA12 (NADH:ubiquinone oxidoreductase subunit A12; minus strand). Cytogenetic location: 12q22.
Variant type: single nucleotide variant.
Coding change: c.-301G>A on transcript NM_018838.4; 301 bases upstream of the start codon, G replaced by A.
Genome position (GRCh38, 1-based): chr12:95,003,981, C>T on the plus strand (G>A on the coding strand, the complement: NDUFA12 is on the minus strand). VCF-style: chr12-95003981-C-T. GRCh37 (hg19) VCF-style: chr12-95397757-C-T.
Identifiers: ClinVar variation 669509 (VCV000669509.3), dbSNP rs835045, ClinGen allele CA15743568.
Genomic context (GRCh38, chr12:95,003,981, plus strand): 5'-TAGAAGGCGGGCATATGCTGGAAAGCTCACCTACACGAGGCTTTCTCACACGGGGATTCC[C>T]CCTTTGGGAATTTCAGTTTCCTCATCTAAAAATAATTGGCTCTGGTGGGCGCGGTGGCTC-3'